The following is an entry in ClinVar:

NM_182914.3(SYNE2):c.1873C>T (p.His625Tyr)

Gene: SYNE2 (spectrin repeat containing nuclear envelope protein 2; plus strand). Cytogenetic location: 14q23.2.
Variant type: single nucleotide variant.
Coding change: c.1873C>T on transcript NM_182914.3 (MANE Select); coding-DNA position 1873, C replaced by T.
Protein change: p.His625Tyr; replaces histidine 625 with tyrosine.
Molecular consequence: missense variant.
Genome position (GRCh38, 1-based): chr14:63,982,666, C>T. VCF-style: chr14-63982666-C-T. GRCh37 (hg19) VCF-style: chr14-64449384-C-T.
Other names: c.1873C>T, p.His625Tyr (NM_015180.6); short protein forms H625Y.
Identifiers: ClinVar variation 282409 (VCV000282409.45), dbSNP rs192061494, ClinGen allele CA7219541.
Genomic context (GRCh38, chr14:63,982,666, plus strand): 5'-GTGTGTTGCTTGTGTATCATGTAGGTACCCTTTGAGACACTAGCCCAGTGGAATCTAGAA[C>T]ACGCTACTTTAAATGAAGCAGGAAATTTCTTAGTCGAAGTCAGCAATGATGTGGTTGGAT-3'
Protein context (NP_878918.2, residues 615-635): FETLAQWNLE[His625Tyr]ATLNEAGNFL

ClinVar aggregate classification (germline): Benign/Likely benign. Review status: criteria provided, multiple submitters, no conflicts (2 of 4 stars). 7 submissions from 7 submitters: Benign (1); Likely benign (6). Last evaluated 2026-09-12.

Conditions:
SYNE2-related disorder. Also called: SYNE2-related condition.
Emery-Dreifuss muscular dystrophy 5, autosomal dominant (EDMD5). Also called: EMERY-DREIFUSS MUSCULAR DYSTROPHY 5. Identifiers: Orphanet 261, MedGen C2751805, MONDO:0013072, OMIM 612999.

Allele frequency attached by ClinVar (database versions not stated): ExAC 0.00087; gnomAD exomes 0.00095 and 0.00136; gnomAD 0.00096 and 0.00097; TOPMed 0.00134; ESP Exome Variant Server 0.00156; 1000 Genomes Project 0.00220; 1000 Genomes Project 30x 0.00250.
gnomAD v4.1: 2,161 of 1,613,832 alleles (0.13%); highest among the groups gnomAD compares: Admixed American, 0.16%; 2 homozygotes.

Submissions (7):

PreventionGenetics, part of Exact Sciences
Classification: Likely benign for SYNE2-related condition. Last evaluated: 2026-09-12. Review status: criteria provided, single submitter. Criteria: ACMG Guidelines, 2015. Collection method: clinical testing. Allele origin: germline.
Comment: This variant is classified as likely benign based on ACMG/AMP sequence variant interpretation guidelines (Richards et al. 2015 PMID: 25741868, with internal and published modifications).

Labcorp Genetics (formerly Invitae), Labcorp
Classification: Likely benign for Emery-Dreifuss muscular dystrophy 5, autosomal dominant. Last evaluated: 2026-02-01. Review status: criteria provided, single submitter. Criteria: Invitae Variant Classification Sherloc (09022015). Collection method: clinical testing. Allele origin: germline.

Blueprint Genetics
Classification: Likely benign. Last evaluated: 2024-11-25. Review status: criteria provided, single submitter. Criteria: ACMG Guidelines, 2015. Collection method: clinical testing. Allele origin: germline.

CeGaT Center for Human Genetics Tuebingen
Classification: Likely benign. Last evaluated: 2023-10-01. Review status: criteria provided, single submitter. Criteria: CeGaT Center For Human Genetics Tuebingen Variant Classification Criteria Version 2. Collection method: clinical testing. Allele origin: germline. Affected: yes. Observed: 1 variant allele.
Comment: SYNE2: BS1

Illumina Laboratory Services, Illumina
Classification: Benign for Emery-Dreifuss muscular dystrophy 5, autosomal dominant. Last evaluated: 2018-01-12. Review status: criteria provided, single submitter. Criteria: ICSL Variant Classification Criteria 13 December 2019. Collection method: clinical testing. Allele origin: germline.
Comment: This variant was observed in the ICSL laboratory as part of a predisposition screen in an ostensibly healthy population. It had not been previously curated by ICSL or reported in the Human Gene Mutation Database (HGMD: prior to June 1st, 2018), and was therefore a candidate for classification through an automated scoring system. Utilizing variant allele frequency, disease prevalence and penetrance estimates, and inheritance mode, an automated score was calculated to assess if this variant is too frequent to cause the disease. Based on the score and internal cut-off values, a variant classified as benign is not then subjected to further curation. The score for this variant resulted in a classification of benign for this disease.

Eurofins Ntd Llc (ga)
Classification: Likely benign. Last evaluated: 2015-08-11. Review status: criteria provided, single submitter. Criteria: EGL Classification Definitions 2015. Collection method: clinical testing. Allele origin: germline. Observed: 2 variant alleles, 2 heterozygotes.

Breakthrough Genomics
Classification: Likely benign. Review status: criteria provided, single submitter. Criteria: ACMG Guidelines, 2015. Collection method: not provided. Allele origin: germline. Inheritance: Autosomal dominant inheritance. Affected: yes.